The following is an entry in ClinVar:

NM_002637.4(PHKA1):c.1297G>A (p.Val433Ile)

Gene: PHKA1 (phosphorylase kinase regulatory subunit alpha 1; minus strand). Cytogenetic location: Xq13.1.
Variant type: single nucleotide variant.
Coding change: c.1297G>A on transcript NM_002637.4 (MANE Select); coding-DNA position 1297, G replaced by A.
Protein change: p.Val433Ile; replaces valine 433 with isoleucine.
Molecular consequence: missense variant.
Genome position (GRCh38, 1-based): chrX:72,650,417, C>T on the plus strand (G>A on the coding strand, the complement: PHKA1 is on the minus strand). VCF-style: chrX-72650417-C-T. GRCh37 (hg19) VCF-style: chrX-71870267-C-T.
Other names: c.1297G>A, p.Val433Ile (NM_001122670.2, NM_001172436.2); short protein forms V433I.
Identifiers: ClinVar variation 1214023 (VCV001214023.11), dbSNP rs369136290, ClinGen allele CA10450898.

ClinVar aggregate classification (germline): Conflicting classifications of pathogenicity. Review status: criteria provided, conflicting classifications (1 of 4 stars). 4 submissions from 4 submitters: Uncertain significance (3); Likely benign (1). Last evaluated 2025-12-03.

Conditions:
Inborn genetic diseases. Identifiers: MedGen C0950123, MeSH D030342.
Glycogen storage disease IXd (GSD9D). Also called: GSD IXd; Muscle Phosphorylase Kinase Deficiency. Identifiers: Orphanet 715, MedGen C1845151, MONDO:0010362, OMIM 300559.

Allele frequency attached by ClinVar (database versions not stated): gnomAD 0.00003; gnomAD exomes 0.00003 and 0.00007; ExAC 0.00004; TOPMed 0.00005; ESP Exome Variant Server 0.00009.
gnomAD v4.1: 85 of 1,208,252 alleles (0.007%); highest among the groups gnomAD compares: Non-Finnish European, 0.0088%; no homozygotes.

Submissions (4):

Labcorp Genetics (formerly Invitae), Labcorp
Classification: Uncertain significance for Glycogen storage disease IXd. Last evaluated: 2025-12-03. Review status: criteria provided, single submitter. Criteria: Invitae Variant Classification Sherloc (09022015). Collection method: clinical testing. Allele origin: germline.
Comment: This sequence change replaces valine, which is neutral and non-polar, with isoleucine, which is neutral and non-polar, at codon 433 of the PHKA1 protein (p.Val433Ile). This variant is present in population databases (rs369136290, gnomAD 0.007%). This variant has not been reported in the literature in individuals affected with PHKA1-related conditions. ClinVar contains an entry for this variant (Variation ID: 1214023). Invitae Evidence Modeling of protein sequence and biophysical properties (such as structural, functional, and spatial information, amino acid conservation, physicochemical variation, residue mobility, and thermodynamic stability) indicates that this missense variant is not expected to disrupt PHKA1 protein function with a negative predictive value of 80%. In summary, the available evidence is currently insufficient to determine the role of this variant in disease. Therefore, it has been classified as a Variant of Uncertain Significance.

Ambry Genetics
Classification: Uncertain significance for Inborn genetic diseases. Last evaluated: 2025-01-18. Review status: criteria provided, single submitter. Criteria: Ambry Variant Classification Scheme 2023. Collection method: clinical testing. Allele origin: germline.

Women's Health and Genetics/Laboratory Corporation of America, LabCorp
Classification: Uncertain significance. Last evaluated: 2024-10-07. Review status: criteria provided, single submitter. Criteria: LabCorp Variant Classification Summary - May 2015. Collection method: clinical testing. Allele origin: germline.
Comment: Variant summary: PHKA1 c.1297G>A (p.Val433Ile) results in a conservative amino acid change located in the GH15-like domain (IPR011613) of the encoded protein sequence. Five of five in-silico tools predict a benign effect of the variant on protein function. The variant allele was found at a frequency of 3.3e-05 in 182715 control chromosomes (gnomAD). The available data on variant occurrences in the general population are insufficient to allow any conclusion about variant significance. To our knowledge, no occurrence of c.1297G>A in individuals affected with Glycogen Phosphorylase Kinase Deficiency and no experimental evidence demonstrating its impact on protein function have been reported. ClinVar contains an entry for this variant (Variation ID: 1214023). Based on the evidence outlined above, the variant was classified as uncertain significance.

GeneDx
Classification: Likely benign. Last evaluated: 2020-10-29. Review status: criteria provided, single submitter. Criteria: GeneDx Variant Classification Process June 2021. Collection method: clinical testing. Allele origin: germline. Affected: yes.